The following is an entry in ClinVar:

ClinVar aggregate classification (germline): Benign. Review status: criteria provided, multiple submitters, no conflicts (2 of 4 stars). 4 submissions from 4 submitters: Benign (3). 1 of the submissions does not count toward it. Last evaluated 2026-02-02.

Conditions:
EXOSC9-related disorder. Also called: EXOSC9-related condition.

Allele frequency attached by ClinVar (database versions not stated): gnomAD exomes 0.04510; ExAC 0.07806; 1000 Genomes Project 0.12979; gnomAD 0.12984 and 0.13847; 1000 Genomes Project 30x 0.13367; ESP Exome Variant Server 0.14191; TOPMed 0.14817.
gnomAD v4.1: 61,615 of 1,601,626 alleles (3.8%); highest among the groups gnomAD compares: African/African-American, 40%; 6,769 homozygotes.

Submissions (20):

Labcorp Genetics (formerly Invitae), Labcorp
Classification: Benign. Last evaluated: 2026-02-02. Review status: criteria provided, single submitter. Criteria: Invitae Variant Classification Sherloc (09022015). Collection method: clinical testing. Allele origin: germline.

GeneDx
Classification: Benign. Last evaluated: 2021-05-04. Review status: criteria provided, single submitter. Criteria: GeneDx Variant Classification Process June 2021. Collection method: clinical testing. Allele origin: germline. Affected: yes.

Breakthrough Genomics
Classification: Benign. Review status: criteria provided, single submitter. Criteria: ACMG Guidelines, 2015. Collection method: not provided. Allele origin: germline. Inheritance: Autosomal recessive inheritance. Affected: yes.

PreventionGenetics, part of Exact Sciences
Classification: Benign for EXOSC9-related condition. Last evaluated: 2019-11-06. Review status: no assertion criteria provided. Collection method: clinical testing. Allele origin: germline. Not counted in ClinVar's aggregate classification.
Comment: This variant is classified as benign based on ACMG/AMP sequence variant interpretation guidelines (Richards et al. 2015 PMID: 25741868, with internal and published modifications).

Dr. Peter K. Rogan Lab, Western University
No classification provided (evidence only). Condition: Melanoma. Review status: no classification provided. Collection method: in vitro. Allele origin: not applicable. Functional consequence: retained intron. Not counted in ClinVar's aggregate classification.

Dr. Peter K. Rogan Lab, Western University
No classification provided (evidence only). Condition: Acute myeloid leukemia. Review status: no classification provided. Collection method: in vitro. Allele origin: not applicable. Functional consequence: retained intron. Not counted in ClinVar's aggregate classification.

Dr. Peter K. Rogan Lab, Western University
No classification provided (evidence only). Condition: Acute myeloid leukemia. Review status: no classification provided. Collection method: in vitro. Allele origin: not applicable. Functional consequence: retained intron. Not counted in ClinVar's aggregate classification.

Dr. Peter K. Rogan Lab, Western University
No classification provided (evidence only). Condition: Acute myeloid leukemia. Review status: no classification provided. Collection method: in vitro. Allele origin: not applicable. Functional consequence: retained intron. Not counted in ClinVar's aggregate classification.

Dr. Peter K. Rogan Lab, Western University
No classification provided (evidence only). Condition: Colon adenocarcinoma. Review status: no classification provided. Collection method: in vitro. Allele origin: not applicable. Functional consequence: retained intron. Not counted in ClinVar's aggregate classification.

Dr. Peter K. Rogan Lab, Western University
No classification provided (evidence only). Condition: Sarcoma. Review status: no classification provided. Collection method: in vitro. Allele origin: not applicable. Functional consequence: retained intron. Not counted in ClinVar's aggregate classification.

Dr. Peter K. Rogan Lab, Western University
No classification provided (evidence only). Condition: Sarcoma. Review status: no classification provided. Collection method: in vitro. Allele origin: not applicable. Functional consequence: retained intron. Not counted in ClinVar's aggregate classification.

Dr. Peter K. Rogan Lab, Western University
No classification provided (evidence only). Condition: Sarcoma. Review status: no classification provided. Collection method: in vitro. Allele origin: not applicable. Functional consequence: retained intron. Not counted in ClinVar's aggregate classification.

Dr. Peter K. Rogan Lab, Western University
No classification provided (evidence only). Condition: Sarcoma. Review status: no classification provided. Collection method: in vitro. Allele origin: not applicable. Functional consequence: retained intron. Not counted in ClinVar's aggregate classification.

Dr. Peter K. Rogan Lab, Western University
No classification provided (evidence only). Condition: Malignant lymphoma, large B-cell, diffuse. Review status: no classification provided. Collection method: in vitro. Allele origin: not applicable. Functional consequence: retained intron. Not counted in ClinVar's aggregate classification.

Dr. Peter K. Rogan Lab, Western University
No classification provided (evidence only). Condition: Thymoma. Review status: no classification provided. Collection method: in vitro. Allele origin: not applicable. Functional consequence: retained intron. Not counted in ClinVar's aggregate classification.

Dr. Peter K. Rogan Lab, Western University
No classification provided (evidence only). Condition: Thymoma. Review status: no classification provided. Collection method: in vitro. Allele origin: not applicable. Functional consequence: retained intron. Not counted in ClinVar's aggregate classification.

Dr. Peter K. Rogan Lab, Western University
No classification provided (evidence only). Condition: Uterine carcinosarcoma. Review status: no classification provided. Collection method: in vitro. Allele origin: not applicable. Functional consequence: retained intron. Not counted in ClinVar's aggregate classification.

Dr. Peter K. Rogan Lab, Western University
No classification provided (evidence only). Condition: Uterine carcinosarcoma. Review status: no classification provided. Collection method: in vitro. Allele origin: not applicable. Functional consequence: retained intron. Not counted in ClinVar's aggregate classification.

Dr. Peter K. Rogan Lab, Western University
No classification provided (evidence only). Condition: Uterine carcinosarcoma. Review status: no classification provided. Collection method: in vitro. Allele origin: not applicable. Functional consequence: retained intron. Not counted in ClinVar's aggregate classification.

Dr. Peter K. Rogan Lab, Western University
No classification provided (evidence only). Condition: Uterine carcinosarcoma. Review status: no classification provided. Collection method: in vitro. Allele origin: not applicable. Functional consequence: retained intron. Not counted in ClinVar's aggregate classification.

NM_001237.5(CCNA2):c.*828C>G

Genes: CCNA2 (cyclin A2; minus strand), EXOSC9 (exosome component 9; plus strand). Cytogenetic location: 4q27.
Variant type: single nucleotide variant.
Coding change: c.*828C>G on transcript NM_001237.5 (MANE Select); 828 bases downstream of the stop codon, C replaced by G.
Molecular consequence: 3 prime UTR variant. On other transcripts: missense variant (2).
Genome position (GRCh38, 1-based): chr4:121,816,810, G>C on the plus strand (C>G on the coding strand, the complement: CCNA2 is on the minus strand). VCF-style: chr4-121816810-G-C. GRCh37 (hg19) VCF-style: chr4-122737965-G-C.
Other names: c.1325G>C, p.Ser442Thr (NM_001034194.2); c.1274G>C, p.Ser425Thr (NM_005033.3); short protein forms S425T, S442T.
Identifiers: ClinVar variation 1249603 (VCV001249603.14), dbSNP rs1051881, ClinGen allele CA3063711.